The following is an entry in ClinVar:

ClinVar aggregate classification (germline): Pathogenic/Likely pathogenic. Review status: criteria provided, multiple submitters, no conflicts (2 of 4 stars). 2 submissions from 2 submitters: Pathogenic (1); Likely pathogenic (1). Last evaluated 2024-01-26.

Conditions:
Leukodystrophy, hypomyelinating, 11. Identifiers: Orphanet 88637, MedGen C4225305, MONDO:0014666, OMIM 616494.

Submissions (2):

Labcorp Genetics (formerly Invitae), Labcorp
Classification: Pathogenic. Last evaluated: 2024-01-26. Review status: criteria provided, single submitter. Criteria: Invitae Variant Classification Sherloc (09022015). Collection method: clinical testing. Allele origin: germline.
Comment: This sequence change creates a premature translational stop signal (p.Ala70Glyfs*14) in the POLR1C gene. It is expected to result in an absent or disrupted protein product. Loss-of-function variants in POLR1C are known to be pathogenic (PMID: 21131976, 26151409, 32042905). This variant is present in population databases (no rsID available, gnomAD 0.01%). This variant has not been reported in the literature in individuals affected with POLR1C-related conditions. ClinVar contains an entry for this variant (Variation ID: 1676483). For these reasons, this variant has been classified as Pathogenic.

Greenwood Genetic Center Diagnostic Laboratories, Greenwood Genetic Center
Classification: Likely pathogenic for Leukodystrophy, hypomyelinating, 11. Last evaluated: 2022-01-10. Review status: criteria provided, single submitter. Criteria: ACMG Guidelines, 2015. Collection method: clinical testing. Allele origin: germline. Affected: yes.
Comment: PVS1, PM2

Literature cited by the submitters: PubMed 21131976 (cited by Labcorp Genetics (formerly Invitae), Labcorp); PubMed 26151409 (cited by Labcorp Genetics (formerly Invitae), Labcorp); PubMed 32042905 (cited by Labcorp Genetics (formerly Invitae), Labcorp).

NM_203290.4(POLR1C):c.208dup (p.Ala70fs)

Gene: POLR1C (RNA polymerase I and III subunit C; plus strand). Cytogenetic location: 6p21.1.
Variant type: Duplication.
Coding change: c.208dup on transcript NM_203290.4 (MANE Select); coding-DNA position 208, one base duplicated (G; older notation c.208dupG).
Protein change: p.Ala70fs; shifts the reading frame from alanine 70.
Molecular consequence: frameshift variant.
Genome position (GRCh38, 1-based): chr6:43,519,399, G duplicated. VCF-style (leftmost placement, unchanged base first): chr6-43519398-C-CG. GRCh37 (hg19) VCF-style: chr6-43487136-C-CG.
Other names: c.208dup, p.Ala70fs (NM_001318876.2, NM_001363658.2); short protein forms A70fs.
Identifiers: ClinVar variation 1676483 (VCV001676483.6), dbSNP rs1561856961, ClinGen allele CA567152975.